The following is an entry in ClinVar:

NM_024675.4(PALB2):c.2408_2409dup (p.Ser804fs)

Gene: PALB2 (partner and localizer of BRCA2; minus strand). Cytogenetic location: 16p12.2.
Variant type: Duplication.
Coding change: c.2408_2409dup on transcript NM_024675.4 (MANE Select); coding-DNA positions 2408 to 2409, 2 bases duplicated (AC; older notation c.2408_2409dupAC).
Protein change: p.Ser804fs; shifts the reading frame from serine 804.
Molecular consequence: frameshift variant. On other transcripts: intron variant (1).
Genome position (GRCh38, 1-based): chr16:23,629,745-23,629,746, GT duplicated on the plus strand (AC on the coding strand, the reverse complement: PALB2 is on the minus strand). VCF-style (leftmost placement, unchanged base first): chr16-23629744-A-AGT. GRCh37 (hg19) VCF-style: chr16-23641065-A-AGT.
Other names: c.2348_2349dup, p.Ser784fs (NM_001407296.1); c.2408_2409dup, p.Ser804fs (NM_001407297.1, NM_001407298.1, NM_001407299.1 and 3 more transcripts); c.1523_1524dup, p.Ser509fs (NM_001407304.1, NM_001407305.1, NM_001407306.1 and 5 more transcripts); c.620_621dup, p.Ser208fs (NM_001407312.1, NM_001407313.1); c.49-471_49-470dup (NM_001407314.1); short protein forms S208fs, S509fs, S784fs, S804fs.
Identifiers: ClinVar variation 2674081 (VCV002674081.1), dbSNP rs2506407120, ClinGen allele CA2695197469.

ClinVar aggregate classification (germline): Pathogenic (1 of 4 stars; one submission).

Conditions:
Familial cancer of breast. Also called: Hereditary breast cancer; BREAST CANCER, FAMILIAL; hereditary breast carcinoma. Identifiers: Orphanet 227535, MedGen C0346153, MONDO:0016419, OMIM 114480. Disease mechanism: loss of function.

Submission:

Myriad Genetics, Inc.
Classification: Pathogenic for Familial cancer of breast. Last evaluated: 2023-09-12. Review status: criteria provided, single submitter. Criteria: Myriad Autosomal Dominant, Autosomal Recessive and X-Linked Classification Criteria (2023). Collection method: clinical testing. Allele origin: unknown.
Comment: This variant is considered pathogenic. This variant creates a frameshift predicted to result in premature protein truncation.